The following is an entry in ClinVar:

ClinVar aggregate classification (germline): Uncertain significance (1 of 4 stars; one submission).

Conditions:
PGM1-congenital disorder of glycosylation. Also called: PHOSPHOGLUCOMUTASE 1 DEFICIENCY; PGM1 DEFICIENCY; GLYCOGEN STORAGE DISEASE XIV; GSD XIV; CDG It; Congenital disorder of glycosylation type 1t. Identifiers: Orphanet 319646, MedGen C2752015, MONDO:0013968, OMIM 614921.

Allele frequency attached by ClinVar (database versions not stated): gnomAD exomes below 0.00001.

Submission:

Labcorp Genetics (formerly Invitae), Labcorp
Classification: Uncertain significance for PGM1-congenital disorder of glycosylation. Last evaluated: 2023-01-11. Review status: criteria provided, single submitter. Criteria: Invitae Variant Classification Sherloc (09022015). Collection method: clinical testing. Allele origin: germline.
Comment: In summary, the available evidence is currently insufficient to determine the role of this variant in disease. Therefore, it has been classified as a Variant of Uncertain Significance. Advanced modeling of protein sequence and biophysical properties (such as structural, functional, and spatial information, amino acid conservation, physicochemical variation, residue mobility, and thermodynamic stability) performed at Invitae indicates that this missense variant is not expected to disrupt PGM1 protein function. ClinVar contains an entry for this variant (Variation ID: 839786). This variant has not been reported in the literature in individuals affected with PGM1-related conditions. This variant is present in population databases (no rsID available, gnomAD 0.0009%). This sequence change replaces alanine, which is neutral and non-polar, with threonine, which is neutral and polar, at codon 108 of the PGM1 protein (p.Ala108Thr).

NM_002633.3(PGM1):c.322G>A (p.Ala108Thr)

Gene: PGM1 (phosphoglucomutase 1; plus strand). Cytogenetic location: 1p31.3.
Variant type: single nucleotide variant.
Coding change: c.322G>A on transcript NM_002633.3 (MANE Select); coding-DNA position 322, G replaced by A.
Protein change: p.Ala108Thr; replaces alanine 108 with threonine.
Molecular consequence: missense variant. On other transcripts: 5 prime UTR variant (1).
Genome position (GRCh38, 1-based): chr1:63,629,500, G>A. VCF-style: chr1-63629500-G-A. GRCh37 (hg19) VCF-style: chr1-64095171-G-A.
Other names: c.376G>A, p.Ala126Thr (NM_001172818.1); c.-270G>A (NM_001172819.2); short protein forms A126T, A108T.
Identifiers: ClinVar variation 839786 (VCV000839786.9), dbSNP rs1356647959, ClinGen allele CA340645870.